The following is an entry in ClinVar:

ClinVar aggregate classification (germline): Pathogenic (1 of 4 stars; one submission).

Conditions:
Trichorhinophalangeal dysplasia type I (TRPS1). Also called: TRICHORHINOPHALANGEAL SYNDROME, TYPE I; TRPS I. Identifiers: Orphanet 77258, MedGen C0432233, MONDO:0008596, OMIM 190350.

Submission:

Rady Children's Institute for Genomic Medicine, Rady Children's Hospital San Diego
Classification: Pathogenic for TRICHORHINOPHALANGEAL SYNDROME, TYPE I. Last evaluated: 2018-12-10. Review status: criteria provided, single submitter. Criteria: ACMG Guidelines, 2015. Collection method: clinical testing. Allele origin: germline. Affected: yes. Observed: 1 variant allele.
Comment: This frameshifting variant in exon 5 of 7 introduces a premature stop codon and is therefore predicted to result in loss of normal protein function. This variant has not been previously reported or functionally characterized in the literature to our knowledge. It is absent from the ExAC and gnomAD population databases and thus is presumed to be rare. Analysis of the parental samples was negative for the variant, indicating this variant likely occurred as a de novo event. Based on the available evidence, the c.2666del p.Asn889ThrfsTer25 variant is classified as pathogenic.

NM_014112.5(TRPS1):c.2666del (p.Asn889fs)

Gene: TRPS1 (transcriptional repressor GATA binding 1; minus strand). Cytogenetic location: 8q23.3.
Variant type: Deletion.
Coding change: c.2666del on transcript NM_014112.5 (MANE Select); coding-DNA position 2666, one base deleted (A; older notation c.2666delA).
Protein change: p.Asn889fs; shifts the reading frame from asparagine 889.
Molecular consequence: frameshift variant.
Genome position (GRCh38, 1-based): chr8:115,587,035, T deleted on the plus strand (A on the coding strand, the reverse complement: TRPS1 is on the minus strand); the first of 4 consecutive T bases (chr8:115,587,035-115,587,038); deleting any one gives the same sequence. VCF-style (leftmost placement, unchanged base first): chr8-115587034-GT-G. GRCh37 (hg19) VCF-style: chr8-116599261-GT-G.
Other names: c.2639del, p.Asn880fs (NM_001282902.3); c.2645del, p.Asn882fs (NM_001282903.3); c.2627del, p.Asn876fs (NM_001330599.2); short protein forms N876fs, N880fs, N882fs, N889fs.
Identifiers: ClinVar variation 692064 (VCV000692064.1), dbSNP rs1586430715, ClinGen allele CA915948699.
Genomic context (GRCh38, chr8:115,587,034, plus strand): 5'-AATTATTTAAAAATGAAACCATCCTACCCGTAACAGGGACTGGGATTCATCCTTGGACTT[GT>G]TTTCTCCCGATGCAGGATACTGCTGGGGGAGGGCCCCAGACTTCTCTCCGCCAGCTGGCG-3'